The following is an entry in ClinVar:

ClinVar aggregate classification (germline): Likely benign (0 of 4 stars; one submission).

Conditions:
PCSK1-related disorder. Also called: PCSK1-related condition.

Allele frequency attached by ClinVar (database versions not stated): gnomAD 0.00001; ExAC 0.00002; TOPMed 0.00002; gnomAD exomes 0.00001.
gnomAD v4.1: 18 of 1,611,698 alleles (0.0011%); highest among the groups gnomAD compares: Admixed American, 0.023%; no homozygotes.

Submission:

PreventionGenetics, part of Exact Sciences
Classification: Likely benign for PCSK1-related condition. Last evaluated: 2020-11-03. Review status: no assertion criteria provided. Collection method: clinical testing. Allele origin: germline.
Comment: This variant is classified as likely benign based on ACMG/AMP sequence variant interpretation guidelines (Richards et al. 2015 PMID: 25741868, with internal and published modifications).

NM_000439.5(PCSK1):c.354A>G (p.Leu118=)

Genes: PCSK1 (proprotein convertase subtilisin/kexin type 1; minus strand), CAST (calpastatin; plus strand), LOC101929710 (uncharacterized LOC101929710; plus strand). Cytogenetic location: 5q15.
Variant type: single nucleotide variant.
Coding change: c.354A>G on transcript NM_000439.5 (MANE Select); coding-DNA position 354, A replaced by G.
Protein change: p.Leu118=; no amino-acid change (leucine 118 retained).
Molecular consequence: synonymous variant. On other transcripts: intron variant (11).
Genome position (GRCh38, 1-based): chr5:96,425,862, T>C on the plus strand (A>G on the coding strand, the complement: PCSK1 is on the minus strand). VCF-style: chr5-96425862-T-C. GRCh37 (hg19) VCF-style: chr5-95761566-T-C.
Other names: c.213A>G, p.Leu71= (NM_001177875.2); c.-175+46210T>C (NM_001423254.1, NM_001423259.1, NM_001423255.1 and 6 more transcripts); c.-103+46210T>C (NM_001423253.1); c.-40+46210T>C (NM_001423258.1).
Identifiers: ClinVar variation 3045641 (VCV003045641.2), dbSNP rs549717260, ClinGen allele CA3350511.